The following is an entry in ClinVar:

NM_017807.4(OSGEP):c.973C>G (p.Arg325Gly)

Gene: OSGEP (O-sialoglycoprotein endopeptidase; minus strand). Cytogenetic location: 14q11.2.
Variant type: single nucleotide variant.
Coding change: c.973C>G on transcript NM_017807.4 (MANE Select); coding-DNA position 973, C replaced by G.
Protein change: p.Arg325Gly; replaces arginine 325 with glycine.
Molecular consequence: missense variant.
Genome position (GRCh38, 1-based): chr14:20,447,275, G>C on the plus strand (C>G on the coding strand, the complement: OSGEP is on the minus strand). VCF-style: chr14-20447275-G-C. GRCh37 (hg19) VCF-style: chr14-20915434-G-C.
Other names: short protein forms R325G.
Identifiers: ClinVar variation 2017912 (VCV002017912.4), dbSNP rs761839638, ClinGen allele CA7081002.

ClinVar aggregate classification (germline): Uncertain significance (1 of 4 stars; one submission).

Submission:

Labcorp Genetics (formerly Invitae), Labcorp
Classification: Uncertain significance. Last evaluated: 2022-07-17. Review status: criteria provided, single submitter. Criteria: Invitae Variant Classification Sherloc (09022015). Collection method: clinical testing. Allele origin: germline.
Comment: This sequence change replaces arginine, which is basic and polar, with glycine, which is neutral and non-polar, at codon 325 of the OSGEP protein (p.Arg325Gly). This variant disrupts the p.Arg325 amino acid residue in OSGEP. Other variant(s) that disrupt this residue have been determined to be pathogenic (PMID: 28272532, 30141175). This suggests that this residue is clinically significant, and that variants that disrupt this residue are likely to be disease-causing. Algorithms developed to predict the effect of missense changes on protein structure and function (SIFT, PolyPhen-2, Align-GVGD) all suggest that this variant is likely to be disruptive. This variant has not been reported in the literature in individuals affected with OSGEP-related conditions. This variant is present in population databases (rs761839638, gnomAD 0.003%). In summary, the available evidence is currently insufficient to determine the role of this variant in disease. Therefore, it has been classified as a Variant of Uncertain Significance.

Literature cited by the submitters: PubMed 28272532; PubMed 30141175.